The following is an entry in ClinVar:

NM_033118.4(MYLK2):c.1420A>G (p.Met474Val)

Gene: MYLK2 (myosin light chain kinase 2; plus strand). Cytogenetic location: 20q11.21.
Variant type: single nucleotide variant.
Coding change: c.1420A>G on transcript NM_033118.4 (MANE Select); coding-DNA position 1420, A replaced by G.
Protein change: p.Met474Val; replaces methionine 474 with valine.
Molecular consequence: missense variant.
Genome position (GRCh38, 1-based): chr20:31,831,137, A>G. VCF-style: chr20-31831137-A-G. GRCh37 (hg19) VCF-style: chr20-30418940-A-G.
Other names: short protein forms M474V.
Identifiers: ClinVar variation 2671753 (VCV002671753.2), dbSNP rs1014399187, ClinGen allele CA313851782.

ClinVar aggregate classification (germline): Uncertain significance. Review status: criteria provided, multiple submitters, no conflicts (2 of 4 stars). 2 submissions from 2 submitters: Uncertain significance (2). Last evaluated 2024-08-12.

Conditions:
Hypertrophic cardiomyopathy 1 (CMH1). Also called: Familial hypertrophic cardiomyopathy 1; MYH7-Related Familial Hypertrophic Cardiomyopathy. Identifiers: MedGen C3495498, MONDO:0008647, OMIM 192600.

Submissions (2):

Ambry Genetics
Classification: Uncertain significance. Last evaluated: 2024-08-12. Review status: criteria provided, single submitter. Criteria: Ambry Variant Classification Scheme 2023. Collection method: clinical testing. Allele origin: germline.

Neuberg Centre For Genomic Medicine, NCGM
Classification: Uncertain significance for Hypertrophic cardiomyopathy 1. Last evaluated: 2023-03-01. Review status: criteria provided, single submitter. Criteria: ACMG Guidelines, 2015. Collection method: clinical testing. Allele origin: germline. Inheritance: Autosomal dominant inheritance. Affected: yes.
Comment: The missense c.1420A>G (p.Met474Val) variant in MYLK2 gene has not been reported previously as a pathogenic variant nor as a benign variant, to our knowledge. The p.Met474Val variant is novel (not in any individuals) in both gnomAD Exomes and 1000 Genomes databases. This variant has not been reported to the ClinVar database. The amino acid change p.Met474Val in MYLK2 is predicted as conserved by GERP++ and PhyloP across 100 vertebrates. The amino acid Met at position 474 is changed to a Val changing protein sequence and it might alter its composition and physico-chemical properties. For these reasons, this variant has been classified as a Variant of Uncertain Significance (VUS).